The following is an entry in ClinVar:

ClinVar aggregate classification (germline): Uncertain significance (1 of 4 stars; one submission).

gnomAD v4.1: 25 of 1,551,462 alleles (0.0016%); highest among the groups gnomAD compares: Non-Finnish European, 0.0021%; no homozygotes.

Submission:

Labcorp Genetics (formerly Invitae), Labcorp
Classification: Uncertain significance. Last evaluated: 2022-03-23. Review status: criteria provided, single submitter. Criteria: Invitae Variant Classification Sherloc (09022015). Collection method: clinical testing. Allele origin: germline.
Comment: This sequence change replaces aspartic acid, which is acidic and polar, with histidine, which is basic and polar, at codon 549 of the UNC80 protein (p.Asp549His). This variant is present in population databases (no rsID available, gnomAD 0.002%). This variant has not been reported in the literature in individuals affected with UNC80-related conditions. Algorithms developed to predict the effect of missense changes on protein structure and function are either unavailable or do not agree on the potential impact of this missense change (SIFT: "Not Available"; PolyPhen-2: "Possibly Damaging"; Align-GVGD: "Not Available"). In summary, the available evidence is currently insufficient to determine the role of this variant in disease. Therefore, it has been classified as a Variant of Uncertain Significance.

NM_001371986.1(UNC80):c.1645G>C (p.Asp549His)

Genes: UNC80 (unc-80 subunit of NALCN channel complex; plus strand), LOC122861286 (Sharpr-MPRA regulatory region 8450; plus strand). Cytogenetic location: 2q34.
Variant type: single nucleotide variant.
Coding change: c.1645G>C on transcript NM_001371986.1 (MANE Select); coding-DNA position 1645, G replaced by C.
Protein change: p.Asp549His; replaces aspartic acid 549 with histidine.
Molecular consequence: missense variant.
Genome position (GRCh38, 1-based): chr2:209,817,904, G>C. VCF-style: chr2-209817904-G-C. GRCh37 (hg19) VCF-style: chr2-210682628-G-C.
Other names: c.1645G>C, p.Asp549His (NM_032504.2, NM_182587.4); short protein forms D549H.
Identifiers: ClinVar variation 2116325 (VCV002116325.4), dbSNP rs763369889, ClinGen allele CA350135266.